The following is an entry in ClinVar:

NM_003482.4(KMT2D):c.2317C>T (p.Gln773Ter)

Gene: KMT2D (lysine methyltransferase 2D; minus strand). Cytogenetic location: 12q13.12.
Variant type: single nucleotide variant.
Coding change: c.2317C>T on transcript NM_003482.4 (MANE Select); coding-DNA position 2317, C replaced by T.
Protein change: p.Gln773Ter; replaces glutamine 773 with a stop codon.
Molecular consequence: nonsense.
Genome position (GRCh38, 1-based): chr12:49,051,366, G>A on the plus strand (C>T on the coding strand, the complement: KMT2D is on the minus strand). VCF-style: chr12-49051366-G-A. GRCh37 (hg19) VCF-style: chr12-49445149-G-A.
Other names: short protein forms Q773*.
Identifiers: ClinVar variation 392140 (VCV000392140.2), dbSNP rs758555274, ClinGen allele CA6548289.

ClinVar aggregate classification (germline): Pathogenic (1 of 4 stars; one submission).

Allele frequency attached by ClinVar (database versions not stated): gnomAD exomes below 0.00001; ExAC 0.00001.

Submission:

GeneDx
Classification: Pathogenic. Last evaluated: 2016-12-15. Review status: criteria provided, single submitter. Criteria: GeneDx Variant Classification (06012015). Collection method: clinical testing. Allele origin: germline. Affected: yes.
Comment: The Q773X nonsense variant in the KMT2D gene is predicted to cause loss of normal protein function either through protein truncation or nonsense-mediated mRNA decay. Additionally, it was not observed in approximately 6,500 individuals of European and African American ancestry in the NHLBI Exome Sequencing Project.